The following is an entry in ClinVar:

ClinVar aggregate classification (germline): Likely benign. Review status: criteria provided, multiple submitters, no conflicts (2 of 4 stars). 6 submissions from 6 submitters: Likely benign (5). 1 of the submissions does not count toward it. Last evaluated 2026-01-25.

Conditions:
CDH1-related disorder. Also called: CDH1-related condition.
Hereditary cancer-predisposing syndrome. Also called: Neoplastic Syndromes, Hereditary; Tumor predisposition; Hereditary neoplastic syndrome; Hereditary Cancer Syndrome. Identifiers: Orphanet 140162, MedGen C0027672, MeSH D009386, MONDO:0015356.
Hereditary diffuse gastric adenocarcinoma (HDGC). Also called: DIFFUSE GASTRIC AND LOBULAR BREAST CANCER SYNDROME. Identifiers: Orphanet 26106, MedGen C1708349, MONDO:0007648, OMIM 137215.

Allele frequency attached by ClinVar (database versions not stated): ExAC 0.00001; gnomAD 0.00001; gnomAD exomes 0.00001; TOPMed 0.00001.
gnomAD v4.1: 34 of 1,614,082 alleles (0.0021%); highest among the groups gnomAD compares: Middle Eastern, 0.049%; no homozygotes.

Submissions (6):

Labcorp Genetics (formerly Invitae), Labcorp
Classification: Likely benign for Hereditary diffuse gastric adenocarcinoma. Last evaluated: 2026-01-25. Review status: criteria provided, single submitter. Criteria: Invitae Variant Classification Sherloc (09022015). Collection method: clinical testing. Allele origin: germline.

Women's Health and Genetics/Laboratory Corporation of America, LabCorp
Classification: Likely benign. Last evaluated: 2025-04-22. Review status: criteria provided, single submitter. Criteria: LabCorp Variant Classification Summary - May 2015. Collection method: clinical testing. Allele origin: germline.
Comment: Variant summary: CDH1 c.1566-7C>T alters a non-conserved nucleotide located at a position not widely known to affect splicing. Consensus agreement among computation tools predict no significant impact on normal splicing. However, these predictions have yet to be confirmed by functional studies. The variant allele was found at a frequency of 8e-06 in 251470 control chromosomes. The available data on variant occurrences in the general population are insufficient to allow any conclusion about variant significance. c.1566-7C>T has been observed in an individual affected with lymphoma (Zhou_2023). This report does not provide unequivocal conclusions about association of the variant with Hereditary Diffuse Gastric Cancer. To our knowledge, no experimental evidence demonstrating an impact on protein function has been reported. The following publication has been ascertained in the context of this evaluation (PMID: 37546421). ClinVar contains an entry for this variant (Variation ID: 239885). Based on the evidence outlined above, the variant was classified as likely benign.

Myriad Genetics, Inc.
Classification: Likely benign for Hereditary diffuse gastric adenocarcinoma. Last evaluated: 2024-09-19. Review status: criteria provided, single submitter. Criteria: Myriad Autosomal Dominant, Autosomal Recessive and X-Linked Classification Criteria (2023). Collection method: clinical testing. Allele origin: unknown.
Comment: This variant is considered likely benign. This variant is intronic and is not expected to impact mRNA splicing.

Color Diagnostics, LLC DBA Color Health
Classification: Likely benign for Hereditary cancer-predisposing syndrome. Last evaluated: 2016-12-19. Review status: criteria provided, single submitter. Criteria: ACMG Guidelines, 2015. Collection method: clinical testing. Allele origin: germline.

GeneDx
Classification: Likely benign. Last evaluated: 2016-01-06. Review status: criteria provided, single submitter. Criteria: GeneDx Variant Classification (06012015). Collection method: clinical testing. Allele origin: germline. Affected: yes.
Comment: This variant is considered likely benign or benign based on one or more of the following criteria: it is a conservative change, it occurs at a poorly conserved position in the protein, it is predicted to be benign by multiple in silico algorithms, and/or has population frequency not consistent with disease.

PreventionGenetics, part of Exact Sciences
Classification: Likely benign for CDH1-related condition. Last evaluated: 2019-06-20. Review status: no assertion criteria provided. Collection method: clinical testing. Allele origin: germline. Not counted in ClinVar's aggregate classification.
Comment: This variant is classified as likely benign based on ACMG/AMP sequence variant interpretation guidelines (Richards et al. 2015 PMID: 25741868, with internal and published modifications).

Literature cited by the submitters: PubMed 37546421 (cited by Women's Health and Genetics/Laboratory Corporation of America, LabCorp).

NM_004360.5(CDH1):c.1566-7C>T

Gene: CDH1 (cadherin 1; plus strand). Cytogenetic location: 16q22.1.
Variant type: single nucleotide variant.
Coding change: c.1566-7C>T on transcript NM_004360.5 (MANE Select); 7 bases into the intron before coding-DNA position 1566, C replaced by T.
Molecular consequence: intron variant.
Genome position (GRCh38, 1-based): chr16:68,819,273, C>T. VCF-style: chr16-68819273-C-T. GRCh37 (hg19) VCF-style: chr16-68853176-C-T.
Other names: c.1566-7C>T (LRG_301t1, NM_004360.4); c.18-7C>T (NM_001317185.2); c.-254-2728C>T (NM_001317186.2); c.1383-7C>T (NM_001317184.2).
Identifiers: ClinVar variation 239885 (VCV000239885.20), dbSNP rs747783435, ClinGen allele CA8130107.